The following is an entry in ClinVar:

NM_000553.6(WRN):c.1763T>C (p.Val588Ala)

Gene: WRN (WRN RecQ like helicase; plus strand). Cytogenetic location: 8p12.
Variant type: single nucleotide variant.
Coding change: c.1763T>C on transcript NM_000553.6 (MANE Select); coding-DNA position 1763, T replaced by C.
Protein change: p.Val588Ala; replaces valine 588 with alanine.
Molecular consequence: missense variant.
Genome position (GRCh38, 1-based): chr8:31,090,876, T>C. VCF-style: chr8-31090876-T-C. GRCh37 (hg19) VCF-style: chr8-30948392-T-C.
Other names: short protein forms V588A.
Identifiers: ClinVar variation 650728 (VCV000650728.5), dbSNP rs1585440811, ClinGen allele CA370927758.

ClinVar aggregate classification (germline): Uncertain significance (1 of 4 stars; one submission).

Conditions:
Werner syndrome (WRN). Identifiers: Orphanet 902, MedGen C0043119, MONDO:0010196, OMIM 277700.

Submission:

Labcorp Genetics (formerly Invitae), Labcorp
Classification: Uncertain significance for Werner syndrome. Last evaluated: 2022-08-09. Review status: criteria provided, single submitter. Criteria: Invitae Variant Classification Sherloc (09022015). Collection method: clinical testing. Allele origin: germline.
Comment: In summary, the available evidence is currently insufficient to determine the role of this variant in disease. Therefore, it has been classified as a Variant of Uncertain Significance. Algorithms developed to predict the effect of sequence changes on RNA splicing suggest that this variant is not likely to affect RNA splicing. Algorithms developed to predict the effect of missense changes on protein structure and function output the following: SIFT: "Not Available"; PolyPhen-2: "Benign"; Align-GVGD: "Not Available". The alanine amino acid residue is found in multiple mammalian species, which suggests that this missense change does not adversely affect protein function. ClinVar contains an entry for this variant (Variation ID: 650728). This variant has not been reported in the literature in individuals affected with WRN-related conditions. This variant is not present in population databases (gnomAD no frequency). This sequence change replaces valine, which is neutral and non-polar, with alanine, which is neutral and non-polar, at codon 588 of the WRN protein (p.Val588Ala).